The following is an entry in ClinVar:

ClinVar aggregate classification (germline): Pathogenic (1 of 4 stars; one submission).

Conditions:
Alstrom syndrome (ALMS). Identifiers: Orphanet 64, MedGen C0268425, MONDO:0008763, OMIM 203800.

Submission:

Labcorp Genetics (formerly Invitae), Labcorp
Classification: Pathogenic for Alstrom syndrome. Last evaluated: 2022-02-19. Review status: criteria provided, single submitter. Criteria: Invitae Variant Classification Sherloc (09022015). Collection method: clinical testing. Allele origin: germline.
Comment: This sequence change creates a premature translational stop signal (p.Gln1289delinsLeu*) in the ALMS1 gene. It is expected to result in an absent or disrupted protein product. Loss-of-function variants in ALMS1 are known to be pathogenic (PMID: 17594715). This variant is not present in population databases (gnomAD no frequency). This variant has not been reported in the literature in individuals affected with ALMS1-related conditions. For these reasons, this variant has been classified as Pathogenic.

Literature cited by the submitters: PubMed 17594715.

NM_001378454.1(ALMS1):c.3862_3863insTAT (p.Gln1288delinsLeuTer)

Gene: ALMS1 (ALMS1 centrosome and basal body associated protein; plus strand). Cytogenetic location: 2p13.1.
Variant type: Insertion.
Coding change: c.3862_3863insTAT on transcript NM_001378454.1 (MANE Select); coding-DNA positions 3862 to 3863, TAT inserted.
Protein change: p.Gln1288delinsLeuTer.
Molecular consequence: nonsense.
Genome position: GRCh38 VCF-style: chr2-73450389-C-CTAT. GRCh37 (hg19) VCF-style: chr2-73677516-C-CTAT.
Other names: c.3865_3866insTAT, p.Gln1289delinsLeuTer (NM_015120.4).
Identifiers: ClinVar variation 2099438 (VCV002099438.4), dbSNP rs2466099658, ClinGen allele CA2580067929.